The following is an entry in ClinVar:

ClinVar aggregate classification (germline): Uncertain significance (1 of 4 stars; one submission).

Conditions:
Myofibrillar myopathy 6. Identifiers: Orphanet 199340, MedGen C2751831, MONDO:0013061, OMIM 612954.
Dilated cardiomyopathy 1HH (CMD1HH). Identifiers: Orphanet 154, MedGen C3151293, MONDO:0013479, OMIM 613881.

Submission:

Labcorp Genetics (formerly Invitae), Labcorp
Classification: Uncertain significance for Dilated cardiomyopathy 1HH; Myofibrillar myopathy 6. Last evaluated: 2023-09-14. Review status: criteria provided, single submitter. Criteria: Invitae Variant Classification Sherloc (09022015). Collection method: clinical testing. Allele origin: germline.
Comment: This sequence change replaces methionine, which is neutral and non-polar, with isoleucine, which is neutral and non-polar, at codon 9 of the BAG3 protein (p.Met9Ile). This variant is not present in population databases (gnomAD no frequency). This variant has not been reported in the literature in individuals affected with BAG3-related conditions. An algorithm developed to predict the effect of missense changes on protein structure and function (PolyPhen-2) suggests that this variant is likely to be tolerated. In summary, the available evidence is currently insufficient to determine the role of this variant in disease. Therefore, it has been classified as a Variant of Uncertain Significance.

NM_004281.4(BAG3):c.27G>C (p.Met9Ile)

Gene: BAG3 (BAG cochaperone 3; plus strand). Cytogenetic location: 10q26.11.
Variant type: single nucleotide variant.
Coding change: c.27G>C on transcript NM_004281.4 (MANE Select); coding-DNA position 27, G replaced by C.
Protein change: p.Met9Ile; replaces methionine 9 with isoleucine.
Molecular consequence: missense variant.
Genome position (GRCh38, 1-based): chr10:119,651,702, G>C. VCF-style: chr10-119651702-G-C. GRCh37 (hg19) VCF-style: chr10-121411214-G-C.
Other names: short protein forms M9I.
Identifiers: ClinVar variation 2951921 (VCV002951921.3), dbSNP rs2134050458, ClinGen allele CA378294019.